The following is an entry in ClinVar:

ClinVar aggregate classification (germline): Uncertain significance (1 of 4 stars; one submission).

gnomAD v4.1: 6 of 1,614,036 alleles (0.00037%); highest among the groups gnomAD compares: East Asian, 0.0045%; no homozygotes.

Submissions (2):

Labcorp Genetics (formerly Invitae), Labcorp
Classification: Uncertain significance. Last evaluated: 2025-07-21. Review status: criteria provided, single submitter. Criteria: Invitae Variant Classification Sherloc (09022015). Collection method: clinical testing. Allele origin: germline.
Comment: This sequence change falls in intron 14 of the NDUFS2 gene. It does not directly change the encoded amino acid sequence of the NDUFS2 protein. This variant is not present in population databases (gnomAD no frequency). This variant has not been reported in the literature in individuals affected with NDUFS2-related conditions. ClinVar contains an entry for this variant (Variation ID: 3696701). Algorithms developed to predict the effect of sequence changes on RNA splicing suggest that this variant may disrupt the consensus splice site. In summary, the available evidence is currently insufficient to determine the role of this variant in disease. Therefore, it has been classified as a Variant of Uncertain Significance.

Dr. Peter K. Rogan Lab, Western University
No classification provided (evidence only). Condition: Lymphoma. Review status: no classification provided. Collection method: in vitro. Allele origin: not applicable. Functional consequence: retained intron. Not counted in ClinVar's aggregate classification.

NM_001377299.1(NDUFS2):c.1355-20T>G

Gene: NDUFS2 (NADH:ubiquinone oxidoreductase core subunit S2; plus strand). Cytogenetic location: 1q23.3.
Variant type: single nucleotide variant.
Coding change: c.1355-20T>G on transcript NM_001377299.1 (MANE Select); 20 bases into the intron before coding-DNA position 1355, T replaced by G.
Molecular consequence: intron variant. On other transcripts: 3 prime UTR variant (3), non-coding transcript variant (1).
Genome position (GRCh38, 1-based): chr1:161,214,136, T>G. VCF-style: chr1-161214136-T-G. GRCh37 (hg19) VCF-style: chr1-161183926-T-G.
Other names: c.*195T>G (NM_001166159.2, NM_001377300.1, NM_001377301.1); c.1355-20T>G (NM_001377298.1, NM_004550.5); c.*6-20T>G (NM_001377302.1); c.1277-20T>G (NM_001410889.1).
Identifiers: ClinVar variation 3696701 (VCV003696701.3).
Genomic context (GRCh38, chr1:161,214,136, plus strand): 5'-TAACACCACTTTTTTTGTTTGTTTTGCCTCACAACAGGAAGATAAGTAACATCACTTTTT[T>G]CCTCCATCCTCTCACCTAGGTACCCAAGATATTGTATTTGGAGAAGTAGATCGGTGAGCA-3'